The following is an entry in ClinVar:

NM_006180.6(NTRK2):c.562A>C (p.Asn188His)

Gene: NTRK2 (neurotrophic receptor tyrosine kinase 2; plus strand). Cytogenetic location: 9q21.33.
Variant type: single nucleotide variant.
Coding change: c.562A>C on transcript NM_006180.6 (MANE Select); coding-DNA position 562, A replaced by C.
Protein change: p.Asn188His; replaces asparagine 188 with histidine.
Molecular consequence: missense variant.
Genome position (GRCh38, 1-based): chr9:84,710,770, A>C. VCF-style: chr9-84710770-A-C. GRCh37 (hg19) VCF-style: chr9-87325685-A-C.
Other names: c.562A>C, p.Asn188His (NM_001007097.3, NM_001018064.3, NM_001018065.2 and 18 more transcripts); c.94A>C, p.Asn32His (NM_001369535.1, NM_001369536.1, NM_001369550.1 and 2 more transcripts); short protein forms N188H, N32H.
Identifiers: ClinVar variation 1518223 (VCV001518223.6), dbSNP rs2131832324, ClinGen allele CA374006077.

ClinVar aggregate classification (germline): Uncertain significance (1 of 4 stars; one submission).

Submission:

Labcorp Genetics (formerly Invitae), Labcorp
Classification: Uncertain significance. Last evaluated: 2021-10-18. Review status: criteria provided, single submitter. Criteria: Invitae Variant Classification Sherloc (09022015). Collection method: clinical testing. Allele origin: germline.
Comment: In summary, the available evidence is currently insufficient to determine the role of this variant in disease. Therefore, it has been classified as a Variant of Uncertain Significance. Algorithms developed to predict the effect of missense changes on protein structure and function are either unavailable or do not agree on the potential impact of this missense change (SIFT: "Deleterious"; PolyPhen-2: "Possibly Damaging"; Align-GVGD: "Class C0"). This variant has not been reported in the literature in individuals affected with NTRK2-related conditions. This variant is not present in population databases (ExAC no frequency). This sequence change replaces asparagine with histidine at codon 188 of the NTRK2 protein (p.Asn188His). The asparagine residue is moderately conserved and there is a small physicochemical difference between asparagine and histidine.